The following is an entry in ClinVar:

NM_000069.3(CACNA1S):c.1385G>A (p.Arg462His)

Gene: CACNA1S (calcium voltage-gated channel subunit alpha1 S; minus strand). Cytogenetic location: 1q32.1.
Variant type: single nucleotide variant.
Coding change: c.1385G>A on transcript NM_000069.3 (MANE Select); coding-DNA position 1385, G replaced by A.
Protein change: p.Arg462His; replaces arginine 462 with histidine.
Molecular consequence: missense variant.
Genome position (GRCh38, 1-based): chr1:201,083,170, C>T on the plus strand (G>A on the coding strand, the complement: CACNA1S is on the minus strand). VCF-style: chr1-201083170-C-T. GRCh37 (hg19) VCF-style: chr1-201052298-C-T.
Other names: short protein forms R462H.
Identifiers: ClinVar variation 585658 (VCV000585658.19), dbSNP rs146696298, ClinGen allele CA078177.
Genomic context (GRCh38, chr1:201,083,170, plus strand): 5'-CAAGCCACAGCCACATGTGCCCTCCTCCCGGCTTCACTCCGTTCCGCCTCACCTTGCAAA[C>T]GGGTCAGCCAGAGAGGCTGGTTGTGGTGCTCTGAGGCGATAGACAGGGTGTTGAGGGCAA-3'
Protein context (NP_000060.2, residues 452-472): EHHNQPLWLT[Arg462His]LQDIANRVLL

ClinVar aggregate classification (germline): Conflicting classifications of pathogenicity. Review status: criteria provided, conflicting classifications (1 of 4 stars). 6 submissions from 6 submitters: Uncertain significance (3); Likely benign (3). Last evaluated 2025-04-29.

Conditions:
Hypokalemic periodic paralysis, type 1. Also called: HypoPP; Hypokalemic Periodic Paralysis Type 1 (AD). Identifiers: Orphanet 681, MedGen C3714580, MONDO:0042979, OMIM 170400.
Thyrotoxic periodic paralysis, susceptibility to, 1 (TTPP1). Identifiers: Orphanet 79102, MedGen C2749982, MONDO:0008570, OMIM 188580.
Malignant hyperthermia, susceptibility to, 5 (MHS5). Also called: CACNA1S-Related Malignant Hyperthermia Susceptibility. Identifiers: Orphanet 423, MedGen C1866077, MONDO:0011163, OMIM 601887.
Inborn genetic diseases. Identifiers: MedGen C0950123, MeSH D030342.

Allele frequency attached by ClinVar (database versions not stated): gnomAD 0.00006; TOPMed 0.00006; gnomAD exomes 0.00007; ExAC 0.00008; ESP Exome Variant Server 0.00008.
gnomAD v4.1: 191 of 1,614,100 alleles (0.012%); highest among the groups gnomAD compares: South Asian, 0.022%; 1 homozygote.

Submissions (6):

Labcorp Genetics (formerly Invitae), Labcorp
Classification: Likely benign for Hypokalemic periodic paralysis, type 1; Malignant hyperthermia, susceptibility to, 5. Last evaluated: 2025-04-29. Review status: criteria provided, single submitter. Criteria: Invitae Variant Classification Sherloc (09022015). Collection method: clinical testing. Allele origin: germline.

Color Diagnostics, LLC DBA Color Health
Classification: Uncertain significance for Malignant hyperthermia, susceptibility to, 5. Last evaluated: 2024-03-06. Review status: criteria provided, single submitter. Criteria: ACMG Guidelines, 2015. Collection method: clinical testing. Allele origin: germline.
Comment: This missense variant replaces arginine with histidine at codon 462 of the CACNA1S protein. Computational prediction suggests that this variant may not impact protein structure and function. To our knowledge, functional studies have not been reported for this variant. This variant has not been reported in individuals affected with CACNA1S-related disorders in the literature. This variant has been identified in 19/282622 chromosomes in the general population by the Genome Aggregation Database (gnomAD). The available evidence is insufficient to determine the role of this variant in disease conclusively. Therefore, this variant is classified as a Variant of Uncertain Significance.

Ambry Genetics
Classification: Likely benign for Inborn genetic diseases. Last evaluated: 2022-08-03. Review status: criteria provided, single submitter. Criteria: Ambry Variant Classification Scheme 2023. Collection method: clinical testing. Allele origin: germline.

Fulgent Genetics
Classification: Uncertain significance for Hypokalemic periodic paralysis, type 1; Thyrotoxic periodic paralysis, susceptibility to, 1; Malignant hyperthermia, susceptibility to, 5. Last evaluated: 2018-10-31. Review status: criteria provided, single submitter. Criteria: ACMG Guidelines, 2015. Collection method: clinical testing. Allele origin: unknown.

Illumina Laboratory Services, Illumina
Classification: Likely benign for Hypokalemic periodic paralysis, type 1. Last evaluated: 2018-01-13. Review status: criteria provided, single submitter. Criteria: ICSL Variant Classification Criteria 13 December 2019. Collection method: clinical testing. Allele origin: germline.
Comment: This variant was observed in the ICSL laboratory as part of a predisposition screen in an ostensibly healthy population. It had not been previously curated by ICSL or reported in the Human Gene Mutation Database (HGMD: prior to June 1st, 2018), and was therefore a candidate for classification through an automated scoring system. Utilizing variant allele frequency, disease prevalence and penetrance estimates, and inheritance mode, an automated score was calculated to assess if this variant is too frequent to cause the disease. Based on the score and internal cut-off values, a variant classified as likely benign is not then subjected to further curation. The score for this variant resulted in a classification of likely benign for this disease.

Athena Diagnostics
Classification: Uncertain significance. Last evaluated: 2017-09-08. Review status: criteria provided, single submitter. Criteria: Athena Diagnostics Criteria. Collection method: clinical testing. Allele origin: germline.